The following is an entry in ClinVar:

ClinVar aggregate classification (germline): Uncertain significance. Review status: criteria provided, multiple submitters, no conflicts (2 of 4 stars). 2 submissions from 2 submitters: Uncertain significance (2). Last evaluated 2024-07-02.

Submissions (2):

Women's Health and Genetics/Laboratory Corporation of America, LabCorp
Classification: Uncertain significance. Last evaluated: 2024-07-02. Review status: criteria provided, single submitter. Criteria: LabCorp Variant Classification Summary - May 2015. Collection method: clinical testing. Allele origin: germline.
Comment: Variant summary: BRCA1 c.4043G>A (p.Gly1348Glu) results in a non-conservative amino acid change in the encoded protein sequence. Four of five in-silico tools predict a benign effect of the variant on protein function. The variant was absent in 251088 control chromosomes. The available data on variant occurrences in the general population are insufficient to allow any conclusion about variant significance. To our knowledge, no occurrence of c.4043G>A in individuals affected with Hereditary Breast And Ovarian Cancer Syndrome and no experimental evidence demonstrating its impact on protein function have been reported. No submitters have cited clinical-significance assessments for this variant to ClinVar. Based on the evidence outlined above, the variant was classified as uncertain significance.

Quest Diagnostics Nichols Institute San Juan Capistrano
Classification: Uncertain significance. Last evaluated: 2023-12-19. Review status: criteria provided, single submitter. Criteria: Quest Diagnostics criteria. Collection method: clinical testing. Allele origin: unknown.
Comment: The BRCA1 c.4043G>A (p.Gly1348Glu) variant has not been reported in individuals with BRCA1-related conditions in the published literature. It also has not been reported in large, multi-ethnic general populations (Genome Aggregation Database). Analysis of this variant using bioinformatics tools for the prediction of the effect of amino acid changes on protein structure and function yielded predictions that this variant is benign. Based on the available information, we are unable to determine the clinical significance of this variant.

NM_007294.4(BRCA1):c.4043G>A (p.Gly1348Glu)

Genes: BRCA1 (BRCA1 DNA repair associated; minus strand), LOC126862571 (BRD4-independent group 4 enhancer GRCh37_chr17:41243136-41244335; plus strand). Cytogenetic location: 17q21.31.
Variant type: single nucleotide variant.
Coding change: c.4043G>A on transcript NM_007294.4 (MANE Select); coding-DNA position 4043, G replaced by A.
Protein change: p.Gly1348Glu; replaces glycine 1348 with glutamic acid.
Molecular consequence: missense variant. On other transcripts: intron variant (135).
Genome position (GRCh38, 1-based): chr17:43,091,488, C>T on the plus strand (G>A on the coding strand, the complement: BRCA1 is on the minus strand). VCF-style: chr17-43091488-C-T. GRCh37 (hg19) VCF-style: chr17-41243505-C-T.
Other names: c.3830G>A, p.Gly1277Glu (NM_001407571.1, NM_001407853.1, NM_001407894.1 and 9 more transcripts); c.4043G>A, p.Gly1348Glu (NM_001407581.1, NM_001407582.1, NM_001407583.1 and 30 more transcripts); c.4040G>A, p.Gly1347Glu (NM_001407587.1, NM_001407590.1, NM_001407591.1 and 22 more transcripts); c.4034G>A, p.Gly1345Glu (NM_001407646.1, NM_001407647.1); c.3920G>A, p.Gly1307Glu (NM_001407648.1, NM_001407664.1, NM_001407665.1 and 19 more transcripts); c.3917G>A, p.Gly1306Glu (NM_001407649.1, NM_001407670.1, NM_001407671.1 and 11 more transcripts); c.3965G>A, p.Gly1322Glu (NM_001407653.1, NM_001407654.1, NM_001407655.1 and 4 more transcripts); c.3962G>A, p.Gly1321Glu (NM_001407659.1, NM_001407660.1, NM_001407661.1 and 1 more transcripts); and 41 more; short protein forms G1052E, G1180E, G1220E, G1221E, G1236E, G1237E, G1259E, G1260E.
Identifiers: ClinVar variation 3339194 (VCV003339194.2).
Genomic context (GRCh38, chr17:43,091,488, plus strand): 5'-CCAATACCTAAGTTTGAATCCATGCTTTGCTCTTCTTGATTATTTTCTTCCAAGCCCGTT[C>T]CTCTTTCTTCATCATCTGAAACCAATTCCTTGTCACTCAGACCAACTCCCTGGCTTTCAG-3'
Protein context (NP_009225.1, residues 1338-1358): KELVSDDEER[Gly1348Glu]TGLEENNQEE